The following is an entry in ClinVar:

ClinVar aggregate classification (germline): Uncertain significance (1 of 4 stars; one submission).

Submission:

GeneDx
Classification: Uncertain significance. Last evaluated: 2024-07-22. Review status: criteria provided, single submitter. Criteria: GeneDx Variant Classification Process June 2021. Collection method: clinical testing. Allele origin: germline. Affected: yes.
Comment: Not observed at significant frequency in large population cohorts (gnomAD); In silico analysis indicates that this missense variant does not alter protein structure/function; Has not been previously published as pathogenic or benign to our knowledge

NM_006734.4(HIVEP2):c.3974C>A (p.Ser1325Tyr)

Gene: HIVEP2 (HIVEP zinc finger 2; minus strand). Cytogenetic location: 6q24.2.
Variant type: single nucleotide variant.
Coding change: c.3974C>A on transcript NM_006734.4 (MANE Select); coding-DNA position 3974, C replaced by A.
Protein change: p.Ser1325Tyr; replaces serine 1325 with tyrosine.
Molecular consequence: missense variant.
Genome position (GRCh38, 1-based): chr6:142,770,765, G>T on the plus strand (C>A on the coding strand, the complement: HIVEP2 is on the minus strand). VCF-style: chr6-142770765-G-T. GRCh37 (hg19) VCF-style: chr6-143091902-G-T.
Other names: short protein forms S1325Y.
Identifiers: ClinVar variation 3600940 (VCV003600940.1).